The following is an entry in ClinVar:

NM_175875.5(SIX5):c.451C>T (p.Pro151Ser)

Genes: DM1-AS (DM1 locus antisense RNA; plus strand), SIX5 (SIX homeobox 5; minus strand), LOC107075317 (origin of replication in DMPK trinucleotide repeat region; plus strand). Cytogenetic location: 19q13.32.
Variant type: single nucleotide variant.
Coding change: c.451C>T on transcript NM_175875.5 (MANE Select); coding-DNA position 451, C replaced by T.
Protein change: p.Pro151Ser; replaces proline 151 with serine.
Molecular consequence: missense variant.
Genome position (GRCh38, 1-based): chr19:45,768,394, G>A on the plus strand (C>T on the coding strand, the complement: SIX5 is on the minus strand). VCF-style: chr19-45768394-G-A. GRCh37 (hg19) VCF-style: chr19-46271652-G-A.
Other names: short protein forms P151S.
Identifiers: ClinVar variation 4691684 (VCV004691684.1).

ClinVar aggregate classification (germline): Uncertain significance (1 of 4 stars; one submission).

Submission:

Labcorp Genetics (formerly Invitae), Labcorp
Classification: Uncertain significance. Last evaluated: 2025-07-22. Review status: criteria provided, single submitter. Criteria: Invitae Variant Classification Sherloc (09022015). Collection method: clinical testing. Allele origin: germline.
Comment: This sequence change replaces proline, which is neutral and non-polar, with serine, which is neutral and polar, at codon 151 of the SIX5 protein (p.Pro151Ser). The frequency data for this variant in the population databases is considered unreliable, as metrics indicate poor data quality at this position in the gnomAD database. This variant has not been reported in the literature in individuals affected with SIX5-related conditions. Invitae Evidence Modeling of protein sequence and biophysical properties (such as structural, functional, and spatial information, amino acid conservation, physicochemical variation, residue mobility, and thermodynamic stability) indicates that this missense variant is not expected to disrupt SIX5 protein function with a negative predictive value of 80%. In summary, the available evidence is currently insufficient to determine the role of this variant in disease. Therefore, it has been classified as a Variant of Uncertain Significance.